The following is an entry in ClinVar:

ClinVar aggregate classification (germline): Uncertain significance. Review status: criteria provided, multiple submitters, no conflicts (2 of 4 stars). 2 submissions from 2 submitters: Uncertain significance (2). Last evaluated 2026-01-22.

Conditions:
Hereditary cancer-predisposing syndrome. Also called: Neoplastic Syndromes, Hereditary; Hereditary neoplastic syndrome; Tumor predisposition; Hereditary Cancer Syndrome. Identifiers: Orphanet 140162, MedGen C0027672, MeSH D009386, MONDO:0015356.
Rhabdoid tumor predisposition syndrome 2 (RTPS2). Identifiers: Orphanet 231108, Orphanet 69077, MedGen C2750074, MONDO:0013224, OMIM 613325.

Submissions (2):

Ambry Genetics
Classification: Uncertain significance for Hereditary cancer-predisposing syndrome. Last evaluated: 2026-01-22. Review status: criteria provided, single submitter. Criteria: Ambry Variant Classification Scheme 2023. Collection method: clinical testing. Allele origin: germline.
Comment: The p.P121S variant (also known as c.361C>T), located in coding exon 3 of the SMARCA4 gene, results from a C to T substitution at nucleotide position 361. The proline at codon 121 is replaced by serine, an amino acid with similar properties. This amino acid position is conserved. In addition, the in silico prediction for this alteration is inconclusive. Based on the available evidence, the clinical significance of this variant remains unclear.

Labcorp Genetics (formerly Invitae), Labcorp
Classification: Uncertain significance for Rhabdoid tumor predisposition syndrome 2. Last evaluated: 2023-10-18. Review status: criteria provided, single submitter. Criteria: Invitae Variant Classification Sherloc (09022015). Collection method: clinical testing. Allele origin: germline.
Comment: This sequence change replaces proline, which is neutral and non-polar, with serine, which is neutral and polar, at codon 121 of the SMARCA4 protein (p.Pro121Ser). This variant is not present in population databases (gnomAD no frequency). This variant has not been reported in the literature in individuals affected with SMARCA4-related conditions. ClinVar contains an entry for this variant (Variation ID: 663552). Advanced modeling of protein sequence and biophysical properties (such as structural, functional, and spatial information, amino acid conservation, physicochemical variation, residue mobility, and thermodynamic stability) has been performed at Invitae for this missense variant, however the output from this modeling did not meet the statistical confidence thresholds required to predict the impact of this variant on SMARCA4 protein function. In summary, the available evidence is currently insufficient to determine the role of this variant in disease. Therefore, it has been classified as a Variant of Uncertain Significance.

NM_003072.5(SMARCA4):c.361C>T (p.Pro121Ser)

Gene: SMARCA4 (SWI/SNF related BAF chromatin remodeling complex subunit ATPase 4; plus strand). Cytogenetic location: 19p13.2.
Variant type: single nucleotide variant.
Coding change: c.361C>T on transcript NM_003072.5 (MANE Select); coding-DNA position 361, C replaced by T.
Protein change: p.Pro121Ser; replaces proline 121 with serine.
Molecular consequence: missense variant. On other transcripts: non-coding transcript variant (1).
Genome position (GRCh38, 1-based): chr19:10,986,194, C>T. VCF-style: chr19-10986194-C-T. GRCh37 (hg19) VCF-style: chr19-11096870-C-T.
Other names: c.361C>T, p.Pro121Ser (NM_001128844.3, NM_001128845.2, NM_001128846.2 and 5 more transcripts); short protein forms P121S.
Identifiers: ClinVar variation 663552 (VCV000663552.9), dbSNP rs1599948709, ClinGen allele CA404055561.